The following is an entry in ClinVar:

NM_006017.3(PROM1):c.1349T>A (p.Ile450Asn)

Gene: PROM1 (prominin 1; minus strand). Cytogenetic location: 4p15.32.
Variant type: single nucleotide variant.
Coding change: c.1349T>A on transcript NM_006017.3 (MANE Select); coding-DNA position 1349, T replaced by A.
Protein change: p.Ile450Asn; replaces isoleucine 450 with asparagine.
Molecular consequence: missense variant. On other transcripts: non-coding transcript variant (2).
Genome position (GRCh38, 1-based): chr4:16,006,643, A>T on the plus strand (T>A on the coding strand, the complement: PROM1 is on the minus strand). VCF-style: chr4-16006643-A-T. GRCh37 (hg19) VCF-style: chr4-16008266-A-T.
Other names: c.1322T>A, p.Ile441Asn (NM_001145847.2, NM_001145848.2, NM_001145851.2 and 9 more transcripts); c.1349T>A, p.Ile450Asn (NM_001145849.2, NM_001145850.2); c.1238T>A, p.Ile413Asn (NM_001441174.1); c.983T>A, p.Ile328Asn (NM_001441179.1); short protein forms I328N, I441N, I450N, I413N.
Identifiers: ClinVar variation 4697515 (VCV004697515.1).

ClinVar aggregate classification (germline): Uncertain significance (1 of 4 stars; one submission).

Submission:

Labcorp Genetics (formerly Invitae), Labcorp
Classification: Uncertain significance. Last evaluated: 2025-08-09. Review status: criteria provided, single submitter. Criteria: Invitae Variant Classification Sherloc (09022015). Collection method: clinical testing. Allele origin: germline.
Comment: This sequence change replaces isoleucine, which is neutral and non-polar, with asparagine, which is neutral and polar, at codon 450 of the PROM1 protein (p.Ile450Asn). This variant is not present in population databases (gnomAD no frequency). This variant has not been reported in the literature in individuals affected with PROM1-related conditions. Invitae Evidence Modeling of protein sequence and biophysical properties (such as structural, functional, and spatial information, amino acid conservation, physicochemical variation, residue mobility, and thermodynamic stability) indicates that this missense variant is expected to disrupt PROM1 protein function with a positive predictive value of 80%. In summary, the available evidence is currently insufficient to determine the role of this variant in disease. Therefore, it has been classified as a Variant of Uncertain Significance.